The following is an entry in ClinVar:

ClinVar aggregate classification (germline): Uncertain significance (1 of 4 stars; one submission).

Conditions:
Charcot-Marie-Tooth disease type 2. Also called: Charcot-Marie-Tooth type 2. Identifiers: Orphanet 64746, MedGen C0270914, MONDO:0018993.

Submission:

Labcorp Genetics (formerly Invitae), Labcorp
Classification: Uncertain significance for Charcot-Marie-Tooth disease type 2. Last evaluated: 2017-12-08. Review status: criteria provided, single submitter. Criteria: Invitae Variant Classification Sherloc (09022015). Collection method: clinical testing. Allele origin: germline.
Comment: In summary, the available evidence is currently insufficient to determine the role of this variant in disease. Therefore, it has been classified as a Variant of Uncertain Significance. Algorithms developed to predict the effect of missense changes on protein structure and function (SIFT, PolyPhen-2, Align-GVGD) all suggest that this variant is likely to be disruptive, but these predictions have not been confirmed by published functional studies and their clinical significance is uncertain. This variant has not been reported in the literature in individuals with MFN2-related disease. This variant is not present in population databases (ExAC no frequency). This sequence change replaces glutamic acid with lysine at codon 308 of the MFN2 protein (p.Glu308Lys). The glutamic acid residue is highly conserved and there is a small physicochemical difference between glutamic acid and lysine.

NM_014874.4(MFN2):c.922G>A (p.Glu308Lys)

Gene: MFN2 (mitofusin 2; plus strand). Cytogenetic location: 1p36.22.
Variant type: single nucleotide variant.
Coding change: c.922G>A on transcript NM_014874.4 (MANE Select); coding-DNA position 922, G replaced by A.
Protein change: p.Glu308Lys; replaces glutamic acid 308 with lysine.
Molecular consequence: missense variant.
Genome position (GRCh38, 1-based): chr1:12,001,506, G>A. VCF-style: chr1-12001506-G-A. GRCh37 (hg19) VCF-style: chr1-12061563-G-A.
Other names: c.922G>A, p.Glu308Lys (NM_001127660.2); short protein forms E308K.
Identifiers: ClinVar variation 543230 (VCV000543230.8), dbSNP rs1553143852, ClinGen allele CA338441876.
Genomic context (GRCh38, chr1:12,001,506, plus strand): 5'-GAGCTGGGCGTGGTGGATCGATCCCAGGCCGGGGACCGCATCTTCTTTGTGTCTGCTAAG[G>A]AGGTGCTCAACGCCAGGATTCAGAAAGCCCAGGGCATGCCTGAAGGAGGTAATGATGAGA-3'
Protein context (NP_055689.1, residues 298-318): GDRIFFVSAK[Glu308Lys]VLNARIQKAQ